The following is an entry in ClinVar:

ClinVar aggregate classification (germline): Conflicting classifications of pathogenicity. Review status: criteria provided, conflicting classifications (1 of 4 stars). 3 submissions from 3 submitters: Uncertain significance (2); Likely benign (1). Last evaluated 2026-03-13.

Conditions:
Inborn genetic diseases. Identifiers: MedGen C0950123, MeSH D030342.

Allele frequency attached by ClinVar (database versions not stated): gnomAD 0.00004; TOPMed 0.00009.
gnomAD v4.1: 47 of 1,612,580 alleles (0.0029%); highest among the groups gnomAD compares: African/African-American, 0.008%; no homozygotes.

Submissions (3):

Women's Health and Genetics/Laboratory Corporation of America, LabCorp
Classification: Uncertain significance. Last evaluated: 2026-03-13. Review status: criteria provided, single submitter. Criteria: LabCorp Variant Classification Summary - May 2015. Collection method: clinical testing. Allele origin: germline.
Comment: Variant summary: TBCD c.2663G>A (p.Arg888Gln) results in a conservative amino acid change in the encoded protein sequence. Algorithms developed to predict the effect of missense changes on protein structure and function all suggest that this variant is likely to be tolerated. The variant allele was found at a frequency of 4.4e-05 in 247834 control chromosomes. This frequency is not significantly higher than estimated for disease-causing variants in TBCD, allowing no conclusion about variant significance. To our knowledge, no occurrence of c.2663G>A in individuals affected with TBCD-related conditions and no experimental evidence demonstrating its impact on protein function have been reported. ClinVar contains an entry for this variant (Variation ID: 2711738). Based on the evidence outlined above, the variant was classified as uncertain significance.

Labcorp Genetics (formerly Invitae), Labcorp
Classification: Likely benign. Last evaluated: 2025-01-08. Review status: criteria provided, single submitter. Criteria: Invitae Variant Classification Sherloc (09022015). Collection method: clinical testing. Allele origin: germline.

Ambry Genetics
Classification: Uncertain significance for Inborn genetic diseases. Last evaluated: 2024-05-23. Review status: criteria provided, single submitter. Criteria: Ambry Variant Classification Scheme 2023. Collection method: clinical testing. Allele origin: germline.

NM_005993.5(TBCD):c.2663G>A (p.Arg888Gln)

Gene: TBCD (tubulin folding cofactor D). Cytogenetic location: 17q25.3.
Variant type: single nucleotide variant.
Coding change: c.2663G>A on transcript NM_005993.5 (MANE Select); coding-DNA position 2663, G replaced by A.
Protein change: p.Arg888Gln; replaces arginine 888 with glutamine.
Molecular consequence: missense variant.
Genome position (GRCh38, 1-based): chr17:82,927,958, G>A. VCF-style: chr17-82927958-G-A. GRCh37 (hg19) VCF-style: chr17-80885834-G-A.
Other names: c.2612G>A, p.Arg871Gln (NM_001411101.1); c.2582G>A, p.Arg861Gln (NM_001411102.1); c.2663G>A (NM_005993.4); short protein forms R871Q, R888Q, R861Q.
Identifiers: ClinVar variation 2711738 (VCV002711738.6), dbSNP rs761114963, ClinGen allele CA8863177.